The following is an entry in ClinVar:

NM_000203.5(IDUA):c.784C>T (p.His262Tyr)

Gene: IDUA (alpha-L-iduronidase; plus strand). Cytogenetic location: 4p16.3.
Variant type: single nucleotide variant.
Coding change: c.784C>T on transcript NM_000203.5 (MANE Select); coding-DNA position 784, C replaced by T.
Protein change: p.His262Tyr; replaces histidine 262 with tyrosine.
Molecular consequence: missense variant. On other transcripts: non-coding transcript variant (1).
Genome position (GRCh38, 1-based): chr4:1,001,873, C>T. VCF-style: chr4-1001873-C-T. GRCh37 (hg19) VCF-style: chr4-995661-C-T.
Other names: c.388C>T, p.His130Tyr (NM_001363576.1); short protein forms H130Y, H262Y.
Identifiers: ClinVar variation 1045420 (VCV001045420.11), dbSNP rs375305122, ClinGen allele CA2802084.

ClinVar aggregate classification (germline): Conflicting classifications of pathogenicity. Review status: criteria provided, conflicting classifications (1 of 4 stars). 3 submissions from 3 submitters: Likely pathogenic (1); Uncertain significance (1). 1 of the submissions does not count toward it. Last evaluated 2025-07-21.

Conditions:
Mucopolysaccharidosis type 1. Also called: IDUA deficiency; MPS I; Mucopolysaccharidosis Type I. Identifiers: Orphanet 579, MedGen C0023786, MONDO:0001586.

Allele frequency attached by ClinVar (database versions not stated): gnomAD exomes below 0.00001; gnomAD 0.00001; TOPMed 0.00003; ExAC 0.00004; ESP Exome Variant Server 0.00008.

Submissions (3):

Revvity Omics, Revvity
Classification: Uncertain significance. Last evaluated: 2025-07-21. Review status: criteria provided, single submitter. Criteria: ACMG Guidelines, 2015. Collection method: clinical testing. Allele origin: germline.

Labcorp Genetics (formerly Invitae), Labcorp
Classification: Likely pathogenic for Mucopolysaccharidosis type 1. Last evaluated: 2025-03-31. Review status: criteria provided, single submitter. Criteria: Invitae Variant Classification Sherloc (09022015). Collection method: clinical testing. Allele origin: germline.
Comment: This sequence change replaces histidine, which is basic and polar, with tyrosine, which is neutral and polar, at codon 262 of the IDUA protein (p.His262Tyr). The frequency data for this variant in the population databases is considered unreliable, as metrics indicate poor data quality at this position in the gnomAD database. This missense change has been observed in individual(s) with clinical features of mucopolysaccharidosis type I and/or mucopolysaccharidosis type I (internal data). In at least one individual the data is consistent with being in trans (on the opposite chromosome) from a pathogenic variant. ClinVar contains an entry for this variant (Variation ID: 1045420). Invitae Evidence Modeling of protein sequence and biophysical properties (such as structural, functional, and spatial information, amino acid conservation, physicochemical variation, residue mobility, and thermodynamic stability) indicates that this missense variant is expected to disrupt IDUA protein function with a positive predictive value of 95%. In summary, the currently available evidence indicates that the variant is pathogenic, but additional data are needed to prove that conclusively. Therefore, this variant has been classified as Likely Pathogenic.

Natera, Inc.
Classification: Uncertain significance for Mucopolysaccharidosis type I. Last evaluated: 2021-09-14. Review status: no assertion criteria provided. Collection method: clinical testing. Allele origin: germline. Not counted in ClinVar's aggregate classification.